The following is an entry in ClinVar:

NM_000051.4(ATM):c.3495C>A (p.Ser1165Arg)

Gene: ATM (ATM serine/threonine kinase; plus strand). Cytogenetic location: 11q22.3.
Variant type: single nucleotide variant.
Coding change: c.3495C>A on transcript NM_000051.4 (MANE Select); coding-DNA position 3495, C replaced by A.
Protein change: p.Ser1165Arg; replaces serine 1165 with arginine.
Molecular consequence: missense variant.
Genome position (GRCh38, 1-based): chr11:108,281,087, C>A. VCF-style: chr11-108281087-C-A. GRCh37 (hg19) VCF-style: chr11-108151814-C-A.
Other names: c.3495C>A, p.Ser1165Arg (NM_001351834.2); short protein forms S1165R.
Identifiers: ClinVar variation 236705 (VCV000236705.23), dbSNP rs878853505, ClinGen allele CA10582811.

ClinVar aggregate classification (germline): Uncertain significance. Review status: criteria provided, multiple submitters, no conflicts (2 of 4 stars). 6 submissions from 6 submitters: Uncertain significance (5). 1 of the submissions does not count toward it. Last evaluated 2026-02-04.

Conditions:
Familial colorectal cancer type X. Identifiers: Orphanet 440437, MedGen C3896578, MONDO:0018604.
Hereditary cancer-predisposing syndrome. Also called: Tumor predisposition; Hereditary Cancer Syndrome; Hereditary neoplastic syndrome; Neoplastic Syndromes, Hereditary. Identifiers: Orphanet 140162, MedGen C0027672, MeSH D009386, MONDO:0015356.
Ataxia-telangiectasia syndrome (AT). Also called: Ataxia telangiectasia (A-T); LOUIS-BAR SYNDROME; Cerebello-oculocutaneous telangiectasia; Immunodeficiency with ataxia telangiectasia; ATAXIA-TELANGIECTASIA, COMPLEMENTATION GROUP A; ATAXIA-TELANGIECTASIA, FRESNO VARIANT. Identifiers: Orphanet 100, MedGen C0004135, MONDO:0008840, OMIM 208900.

gnomAD v4.1: 1 of 1,613,722 alleles (0.000062%); highest among the groups gnomAD compares: Non-Finnish European, 0.000085%; no homozygotes.

Submissions (6):

Labcorp Genetics (formerly Invitae), Labcorp
Classification: Uncertain significance for Ataxia-telangiectasia syndrome. Last evaluated: 2026-02-04. Review status: criteria provided, single submitter. Criteria: Invitae Variant Classification Sherloc (09022015). Collection method: clinical testing. Allele origin: germline.
Comment: This sequence change replaces serine, which is neutral and polar, with arginine, which is basic and polar, at codon 1165 of the ATM protein (p.Ser1165Arg). This variant is not present in population databases (gnomAD no frequency). This variant has not been reported in the literature in individuals affected with ATM-related conditions. ClinVar contains an entry for this variant (Variation ID: 236705). Invitae Evidence Modeling of protein sequence and biophysical properties (such as structural, functional, and spatial information, amino acid conservation, physicochemical variation, residue mobility, and thermodynamic stability) has been performed for this missense variant. However, the output from this modeling did not meet the statistical confidence thresholds required to predict the impact of this variant on ATM protein function. In summary, the available evidence is currently insufficient to determine the role of this variant in disease. Therefore, it has been classified as a Variant of Uncertain Significance.

Color Diagnostics, LLC DBA Color Health
Classification: Uncertain significance for Hereditary cancer-predisposing syndrome. Last evaluated: 2024-03-06. Review status: criteria provided, single submitter. Criteria: ACMG Guidelines, 2015. Collection method: clinical testing. Allele origin: germline.
Comment: This missense variant replaces serine with arginine at codon 1165 of the ATM protein. Computational prediction suggests that this variant may not impact protein structure and function (internally defined REVEL score threshold <= 0.5, PMID: 27666373). To our knowledge, functional studies have not been reported for this variant. This variant has not been reported in individuals affected with hereditary cancer in the literature. This variant has not been identified in the general population by the Genome Aggregation Database (gnomAD). The available evidence is insufficient to determine the role of this variant in disease conclusively. Therefore, this variant is classified as a Variant of Uncertain Significance.

GeneDx
Classification: Uncertain significance. Last evaluated: 2023-07-19. Review status: criteria provided, single submitter. Criteria: GeneDx Variant Classification Process June 2021. Collection method: clinical testing. Allele origin: germline. Affected: yes.
Comment: Not observed at significant frequency in large population cohorts (gnomAD); In silico analysis supports that this missense variant has a deleterious effect on protein structure/function; Has not been previously published as pathogenic or benign to our knowledge; This variant is associated with the following publications: (PMID: 19781682)

Ambry Genetics
Classification: Uncertain significance for Hereditary cancer-predisposing syndrome. Last evaluated: 2022-08-29. Review status: criteria provided, single submitter. Criteria: Ambry Variant Classification Scheme 2023. Collection method: clinical testing. Allele origin: germline.
Comment: The p.S1165R variant (also known as c.3495C>A), located in coding exon 23 of the ATM gene, results from a C to A substitution at nucleotide position 3495. The serine at codon 1165 is replaced by arginine, an amino acid with dissimilar properties. In addition, this alteration is predicted to be deleterious by in silico analysis. Since supporting evidence is limited at this time, the clinical significance of this alteration remains unclear.

Department of Pathology and Laboratory Medicine, Sinai Health System
Classification: Uncertain significance for Familial colorectal cancer type X. Last evaluated: 2020-03-16. Review status: criteria provided, single submitter. Criteria: ACMG Guidelines, 2015. Collection method: clinical testing. Allele origin: germline. Affected: yes.

Natera, Inc.
Classification: Uncertain significance for Ataxia-telangiectasia. Last evaluated: 2020-09-16. Review status: no assertion criteria provided. Collection method: clinical testing. Allele origin: germline. Not counted in ClinVar's aggregate classification.